The following is an entry in ClinVar:

NM_004336.5(BUB1):c.307A>T (p.Ile103Phe)

Gene: BUB1 (BUB1 mitotic checkpoint serine/threonine kinase; minus strand). Cytogenetic location: 2q13.
Variant type: single nucleotide variant.
Coding change: c.307A>T on transcript NM_004336.5 (MANE Select); coding-DNA position 307, A replaced by T.
Protein change: p.Ile103Phe; replaces isoleucine 103 with phenylalanine.
Molecular consequence: missense variant.
Genome position (GRCh38, 1-based): chr2:110,672,776, T>A on the plus strand (A>T on the coding strand, the complement: BUB1 is on the minus strand). VCF-style: chr2-110672776-T-A. GRCh37 (hg19) VCF-style: chr2-111430353-T-A.
Other names: c.247A>T, p.Ile83Phe (NM_001278616.2); c.307A>T, p.Ile103Phe (NM_001278617.2); short protein forms I103F, I83F.
Identifiers: ClinVar variation 3377648 (VCV003377648.1).
Genomic context (GRCh38, chr2:110,672,776, plus strand): 5'-GAAGGACAGCACTGGCATGCTGCAGCTCTCCTTGGGCTTCCAGATGCCCCGCCCAGGCAA[T>A]GTACAGAGGGGATGACAGGGTTCCAATCCCATGGTTGTACAGAAACTCAAAAAATTGATG-3'
Protein context (NP_004327.1, residues 93-113): GIGTLSSPLY[Ile103Phe]AWAGHLEAQG

ClinVar aggregate classification (germline): Uncertain significance (1 of 4 stars; one submission).

Conditions:
Microcephaly 30, primary, autosomal recessive (MCPH30). Identifiers: MedGen C5774280, MONDO:0859342, OMIM 620183.

Submission:

Neuberg Centre For Genomic Medicine, NCGM
Classification: Uncertain significance for Microcephaly 30, primary, autosomal recessive. Review status: criteria provided, single submitter. Criteria: ACMG Guidelines, 2015. Collection method: clinical testing. Allele origin: germline. Inheritance: Autosomal recessive inheritance. Affected: yes.
Comment: The observed missense c.307A>T(p.Ile103Phe) variant in BUB1 gene has not been reported previously as a pathogenic variant nor a benign variant, to our knowledge. The p.Ile103Phe variant is absent in gnomAD Exomes. This variant has not been submitted to the ClinVar database. Multiple lines of computational evidences (Polyphen - Possibly damaging, SIFT - Damaging and MutationTaster - Polymorphism) predict conflicting evidence on protein structure and function for this variant. The amino acid Ile at position 103 is changed to a Phe changing protein sequence and it might alter its composition and physico-chemical properties. For these reasons, this variant has been classified as a Variant of Uncertain Significance (VUS).